The following is an entry in ClinVar:

NM_144997.7(FLCN):c.1525GAG[1] (p.Glu510del)

Gene: FLCN (folliculin; minus strand). Cytogenetic location: 17p11.2.
Variant type: Microsatellite.
Coding change: c.1525GAG[1] on transcript NM_144997.7 (MANE Select); one copy of the 3-base unit GAG starting at c.1525; the reference has two copies in a row; one copy, 3 bases deleted.
Protein change: p.Glu510del; deletes glutamic acid 510.
Molecular consequence: inframe deletion.
Genome position (GRCh38, 1-based): chr17:17,214,993-17,214,995, CTC deleted on the plus strand (GAG on the coding strand, the reverse complement: FLCN is on the minus strand); deleting any 3 consecutive bases within chr17:17,214,993-17,215,000 gives the same sequence; the position shown is the placement nearest the transcript's 3' end. VCF-style (leftmost placement, unchanged base first): chr17-17214992-ACTC-A. GRCh37 (hg19) VCF-style: chr17-17118306-ACTC-A.
Other names: c.1579GAG[1], p.Glu528del (NM_001353229.2); c.1525GAG[1], p.Glu510del (NM_001353230.2, NM_001353231.2); short protein forms E510del, E528del.
Identifiers: ClinVar variation 253256 (VCV000253256.6), dbSNP rs879255681, ClinGen allele CA10586248.
Genomic context (GRCh38, chr17:17,214,992, plus strand): 5'-CAGGTTTTCTCCAGGGTCGCAAGCAAAGGGGCCTCACCCACACTGTTGCTTACTTCATCC[ACTC>A]CTCCTTGAGGCAGACGAGGCACTGGTCCACCACATCCACAGACAGGTTCTGGTTGGTCAG-3'

ClinVar aggregate classification (germline): Pathogenic/Likely pathogenic. Review status: criteria provided, multiple submitters, no conflicts (2 of 4 stars). 3 submissions from 3 submitters: Pathogenic (2); Likely pathogenic (1). Last evaluated 2023-06-06.

Conditions:
Hereditary cancer-predisposing syndrome. Also called: Tumor predisposition; Hereditary Cancer Syndrome; Neoplastic Syndromes, Hereditary; Hereditary neoplastic syndrome. Identifiers: Orphanet 140162, MedGen C0027672, MeSH D009386, MONDO:0015356.
Birt-Hogg-Dube syndrome. Also called: Birt Hogg Dubé syndrome. Identifiers: Orphanet 122, MedGen C0346010, MONDO:0800444.

Submissions (3):

Ambry Genetics
Classification: Pathogenic for Hereditary cancer-predisposing syndrome. Last evaluated: 2023-06-06. Review status: criteria provided, single submitter. Criteria: Ambry Variant Classification Scheme 2023. Collection method: clinical testing. Allele origin: germline.
Comment: The c.1528_1530delGAG pathogenic mutation (also known as p.E510del) is located in coding exon 10 of the FLCN gene. This variant results from an in-frame GAG deletion at nucleotide positions 1528 to 1530. This results in the in-frame deletion of a glutamic acid at codon 510. This alteration has been reported in multiple individuals with personal and/or family history consistent with Birt-Hogg-Dube syndrome (Ambry internal data; Toro JR et al. J. Med. Genet., 2008 Jun;45:321-31; Benusiglio PR et al. Orphanet J Rare Dis, 2014 Oct;9:163; Furuya M et al. Cancer Sci., 2015 Mar;106:315-23; Furuya M et al. Lab. Invest., 2017 Mar;97:343-35). Further, functional analyses of this alteration have shown reduced protein expression and stability (Nahorski MS et al. Hum. Mutat., 2011 Aug;32:921-9). This alteration has demonstrated formation of perinuclear protein aggregates in another functional study (Clausen L et al. PLoS Genet, 2020 Nov;16:e1009187). This variant is considered to be rare based on population cohorts in the Genome Aggregation Database (gnomAD). The deleted amino acid position is highly conserved in available vertebrate species. In addition, this alteration is predicted to be deleterious by in silico analysis (Choi Y et al. PLoS ONE. 2012; 7(10):e46688). Based on the supporting evidence, this alteration is interpreted as a disease-causing mutation.

GeneDx
Classification: Pathogenic. Last evaluated: 2018-04-25. Review status: criteria provided, single submitter. Criteria: GeneDx Variant Classification (06012015). Collection method: clinical testing. Allele origin: germline. Affected: yes.
Comment: The c.1528_1530delGAG variant in the FLCN gene is an in-frame deletion that is predicted to eliminate the Glutamic Acid residue at amino acid position 510. This variant has been previously reported in association with Birt-Hogg-Dube syndrome (for examples, see Toro et al., 2008; Benusiglio et al., 2014; Furuya et al., 2017). Functional studies show this variant reduced protein expression and significantly disrupted protein stability (Nahorski et al., 2011). The residue deleted occurs at a position that is conserved across species, but is not located within a known functional domain. Based on currently available evidence, we consider c.1528_1530delGAG to be pathogenic,

Genomic Diagnostic Laboratory, Division of Genomic Diagnostics, Children's Hospital of Philadelphia
Classification: Likely pathogenic for Birt-Hogg-Dube Syndrome. Last evaluated: 2016-07-18. Review status: criteria provided, single submitter. Criteria: DGD Variant Analysis Guidelines. Collection method: clinical testing. Allele origin: germline. Affected: yes. Observed: 3 variant alleles.
Comment: Clinical Testing

Literature cited by the submitters: PubMed 18234728 (cited by Ambry Genetics); PubMed 19802896 (cited by Ambry Genetics); PubMed 21538689 (cited by Ambry Genetics); PubMed 25519458 (cited by Ambry Genetics); PubMed 27991910 (cited by Ambry Genetics); PubMed 33137092 (cited by Ambry Genetics).